The following is an entry in ClinVar:

ClinVar aggregate classification (germline): Pathogenic (1 of 4 stars; one submission).

Conditions:
Bardet-Biedl syndrome (BBS). Identifiers: Orphanet 110, MedGen C0752166, MONDO:0015229.

Submission:

Labcorp Genetics (formerly Invitae), Labcorp
Classification: Pathogenic for Bardet-Biedl syndrome. Last evaluated: 2022-11-01. Review status: criteria provided, single submitter. Criteria: Invitae Variant Classification Sherloc (09022015). Collection method: clinical testing. Allele origin: germline.
Comment: This variant has not been reported in the literature in individuals affected with TRIM32-related conditions. This variant disrupts a region of the TRIM32 protein in which other variant(s) (p.Pro130Ser) have been determined to be pathogenic (PMID: 16606853). This suggests that this is a clinically significant region of the protein, and that variants that disrupt it are likely to be disease-causing. For these reasons, this variant has been classified as Pathogenic. This variant is not present in population databases (gnomAD no frequency). This sequence change creates a premature translational stop signal (p.Thr68Profs*3) in the TRIM32 gene. While this is not anticipated to result in nonsense mediated decay, it is expected to disrupt the last 586 amino acid(s) of the TRIM32 protein.

Literature cited by the submitters: PubMed 16606853.

NM_012210.4(TRIM32):c.201del (p.Thr68fs)

Genes: ASTN2 (astrotactin 2; minus strand), TRIM32 (tripartite motif containing 32; plus strand). Cytogenetic location: 9q33.1.
Variant type: Deletion.
Coding change: c.201del on transcript NM_012210.4 (MANE Select); coding-DNA position 201, one base deleted (T; older notation c.201delT).
Protein change: p.Thr68fs; shifts the reading frame from threonine 68.
Molecular consequence: frameshift variant. On other transcripts: intron variant (3).
Genome position (GRCh38, 1-based): chr9:116,697,943, T deleted; the last of 2 consecutive T bases (chr9:116,697,942-116,697,943); deleting either gives the same sequence. VCF-style (leftmost placement, unchanged base first): chr9-116697941-AT-A. GRCh37 (hg19) VCF-style: chr9-119460220-AT-A.
Other names: c.201del, p.Thr68fs (NM_001099679.2, NM_001379048.1, NM_001379049.1 and 1 more transcripts); c.2653+27829del (NM_014010.5); c.2794+27829del (NM_001365069.1); c.2806+27829del (NM_001365068.1); short protein forms T68fs.
Identifiers: ClinVar variation 2811384 (VCV002811384.3), dbSNP rs2491057357, ClinGen allele CA2739265014.
Genomic context (GRCh38, chr9:116,697,941, plus strand): 5'-TGCCTGGAGAAGCTATTGGCCAGTAGCATCAATGGTGTCCGCTGTCCCTTTTGCAGCAAG[AT>A]TACCCGCATAACCAGCTTGACCCAGCTGACAGACAATCTGACAGTGCTAAAGATCATTGA-3'